The following is an entry in ClinVar:

NM_001042492.3(NF1):c.1130T>C (p.Ile377Thr)

Gene: NF1 (neurofibromin 1; plus strand). Cytogenetic location: 17q11.2.
Variant type: single nucleotide variant.
Coding change: c.1130T>C on transcript NM_001042492.3 (MANE Select); coding-DNA position 1130, T replaced by C.
Protein change: p.Ile377Thr; replaces isoleucine 377 with threonine.
Molecular consequence: missense variant.
Genome position (GRCh38, 1-based): chr17:31,201,104, T>C. VCF-style: chr17-31201104-T-C. GRCh37 (hg19) VCF-style: chr17-29528122-T-C.
Other names: c.1130T>C, p.Ile377Thr (NM_000267.4, NM_001128147.3); short protein forms I377T.
Identifiers: ClinVar variation 237510 (VCV000237510.18), dbSNP rs878853863, ClinGen allele CA10583468.

ClinVar aggregate classification (germline): Conflicting classifications of pathogenicity. Review status: criteria provided, conflicting classifications (1 of 4 stars). 8 submissions from 8 submitters: Uncertain significance (7); Benign (1). Last evaluated 2025-10-11.

Conditions:
Cardiovascular phenotype. Identifiers: MedGen CN230736.
Hereditary cancer-predisposing syndrome. Also called: Hereditary Cancer Syndrome; Tumor predisposition; Hereditary neoplastic syndrome; Neoplastic Syndromes, Hereditary. Identifiers: Orphanet 140162, MedGen C0027672, MeSH D009386, MONDO:0015356.
Neurofibromatosis-Noonan syndrome (NFNS). Also called: NEUROFIBROMATOSIS WITH NOONAN PHENOTYPE. Identifiers: Orphanet 638, MedGen C2931482, MONDO:0011035, OMIM 601321. Disease mechanism: loss of function.
Café-au-lait macules with pulmonary stenosis (WTSN). Also called: PULMONIC STENOSIS WITH CAFE-AU-LAIT SPOTS. Identifiers: MedGen C0553586, MONDO:0008672, OMIM 193520.
Juvenile myelomonocytic leukemia (JMML). Also called: LEUKEMIA, JUVENILE MYELOMONOCYTIC, SOMATIC. Identifiers: Orphanet 86834, MedGen C0349639, MONDO:0011908, OMIM 607785, HP:0012209.
Neurofibromatosis, familial spinal (FSNF). Identifiers: Orphanet 636, MedGen C1834235, MONDO:0008078, OMIM 162210. Disease mechanism: loss of function.
Neurofibromatosis, type 1 (NF1). Also called: NEUROFIBROMATOSIS, TYPE I, SOMATIC; Neurofibromatosis, type I; VON RECKLINGHAUSEN DISEASE; Peripheral type neurofibromatosis. Identifiers: Orphanet 636, MedGen C0027831, MONDO:0018975, OMIM 162200. Disease mechanism: loss of function.

Allele frequency attached by ClinVar (database versions not stated): gnomAD exomes below 0.00001; gnomAD 0.00001; TOPMed 0.00001.
gnomAD v4.1: 5 of 1,614,022 alleles (0.00031%); highest among the groups gnomAD compares: Non-Finnish European, 0.00042%; no homozygotes.

Submissions (8):

Labcorp Genetics (formerly Invitae), Labcorp
Classification: Benign for Neurofibromatosis, type 1. Last evaluated: 2025-10-11. Review status: criteria provided, single submitter. Criteria: Invitae Variant Classification Sherloc (09022015). Collection method: clinical testing. Allele origin: germline.

Quest Diagnostics Nichols Institute San Juan Capistrano
Classification: Uncertain significance. Last evaluated: 2025-04-21. Review status: criteria provided, single submitter. Criteria: Quest Diagnostics criteria. Collection method: clinical testing. Allele origin: unknown.

GeneDx
Classification: Uncertain significance. Last evaluated: 2025-02-21. Review status: criteria provided, single submitter. Criteria: GeneDx Variant Classification Process June 2021. Collection method: clinical testing. Allele origin: germline. Affected: yes.
Comment: Not observed at significant frequency in large population cohorts (gnomAD); In silico analysis supports that this missense variant has a deleterious effect on protein structure/function; Has not been previously published as pathogenic or benign to our knowledge

Fulgent Genetics
Classification: Uncertain significance for Neurofibromatosis, type 1; Neurofibromatosis, familial spinal; Café-au-lait macules with pulmonary stenosis; Neurofibromatosis-Noonan syndrome; Juvenile myelomonocytic leukemia. Last evaluated: 2024-06-22. Review status: criteria provided, single submitter. Criteria: ACMG Guidelines, 2015. Collection method: clinical testing. Allele origin: germline.

Baylor Genetics
Classification: Uncertain significance for Juvenile myelomonocytic leukemia. Last evaluated: 2023-06-15. Review status: criteria provided, single submitter. Criteria: ACMG Guidelines, 2015. Collection method: clinical testing. Allele origin: unknown.

Genome-Nilou Lab
Classification: Uncertain significance for Neurofibromatosis, type 1. Last evaluated: 2022-03-15. Review status: criteria provided, single submitter. Criteria: ACMG Guidelines, 2015. Collection method: clinical testing. Allele origin: germline. Affected: no.

Ambry Genetics
Classification: Uncertain significance for Cardiovascular phenotype; Hereditary cancer-predisposing syndrome. Last evaluated: 2021-06-29. Review status: criteria provided, single submitter. Criteria: Ambry Variant Classification Scheme 2023. Collection method: clinical testing. Allele origin: germline.

Blueprint Genetics
Classification: Uncertain significance. Last evaluated: 2021-02-16. Review status: criteria provided, single submitter. Criteria: ACMG Guidelines, 2015. Collection method: clinical testing. Allele origin: germline.